The following is an entry in ClinVar:

NM_015272.5(RPGRIP1L):c.2815G>A (p.Glu939Lys)

Gene: RPGRIP1L (RPGRIP1 like; minus strand). Cytogenetic location: 16q12.2.
Variant type: single nucleotide variant.
Coding change: c.2815G>A on transcript NM_015272.5 (MANE Select); coding-DNA position 2815, G replaced by A.
Protein change: p.Glu939Lys; replaces glutamic acid 939 with lysine.
Molecular consequence: missense variant.
Genome position (GRCh38, 1-based): chr16:53,641,344, C>T on the plus strand (G>A on the coding strand, the complement: RPGRIP1L is on the minus strand). VCF-style: chr16-53641344-C-T. GRCh37 (hg19) VCF-style: chr16-53675256-C-T.
Other names: c.2815G>A (NM_015272.4); c.2815G>A, p.Glu939Lys (NM_001127897.4, NM_001308334.3, NM_001330538.2); short protein forms E939K.
Identifiers: ClinVar variation 373193 (VCV000373193.7), dbSNP rs371763050, ClinGen allele CA8057456.

ClinVar aggregate classification (germline): Uncertain significance. Review status: criteria provided, multiple submitters, no conflicts (2 of 4 stars). 6 submissions from 6 submitters: Uncertain significance (5). 1 of the submissions does not count toward it. Last evaluated 2025-07-22.

Conditions:
Meckel-Gruber syndrome. Also called: DYSENCEPHALIA SPLANCHNOCYSTICA; GRUBER SYNDROME; Dysencephalia splachnocystica. Identifiers: Orphanet 564, MedGen C0265215, MONDO:0018921.
Joubert syndrome. Also called: Familial aplasia of the vermis; JOUBERT-BOLTSHAUSER SYNDROME. Identifiers: Orphanet 475, MedGen C5979921, MONDO:0018772.
Meckel syndrome, type 5 (MKS5). Identifiers: Orphanet 564, MedGen C1969052, MONDO:0012695, OMIM 611561.
COACH syndrome 3. Identifiers: MedGen C5436841, MONDO:0030862, OMIM 619113.
Joubert syndrome 7 (JBTS7). Identifiers: Orphanet 220497, MedGen C1969053, MONDO:0012694, OMIM 611560.
Inborn genetic diseases. Identifiers: MedGen C0950123, MeSH D030342.
RPGRIP1L-related disorder. Also called: RPGRIP1L-related condition; RPGRIP1L-related disorders. Identifiers: MedGen CN239416.

Allele frequency attached by ClinVar (database versions not stated): gnomAD exomes 0.00001; ExAC 0.00002; gnomAD 0.00003 and 0.00004; TOPMed 0.00003; ESP Exome Variant Server 0.00008.
gnomAD v4.1: 41 of 1,613,946 alleles (0.0025%); highest among the groups gnomAD compares: Non-Finnish European, 0.0029%; no homozygotes.

Submissions (6):

PreventionGenetics, part of Exact Sciences
Classification: Uncertain significance for RPGRIP1L-related condition. Last evaluated: 2025-07-22. Review status: criteria provided, single submitter. Criteria: ACMG Guidelines, 2015. Collection method: clinical testing. Allele origin: germline.
Comment: The RPGRIP1L c.2815G>A variant is predicted to result in the amino acid substitution p.Glu939Lys. To our knowledge, this variant has not been reported in the literature. This variant is reported in 0.0050% of alleles in individuals of East Asian descent in gnomAD. At this time, the clinical significance of this variant is uncertain due to the absence of conclusive functional and genetic evidence.

Labcorp Genetics (formerly Invitae), Labcorp
Classification: Uncertain significance for Joubert syndrome; Meckel-Gruber syndrome. Last evaluated: 2022-10-17. Review status: criteria provided, single submitter. Criteria: Invitae Variant Classification Sherloc (09022015). Collection method: clinical testing. Allele origin: germline.
Comment: This sequence change replaces glutamic acid, which is acidic and polar, with lysine, which is basic and polar, at codon 939 of the RPGRIP1L protein (p.Glu939Lys). This variant is present in population databases (rs371763050, gnomAD 0.005%). This variant has not been reported in the literature in individuals affected with RPGRIP1L-related conditions. ClinVar contains an entry for this variant (Variation ID: 373193). Advanced modeling of protein sequence and biophysical properties (such as structural, functional, and spatial information, amino acid conservation, physicochemical variation, residue mobility, and thermodynamic stability) performed at Invitae indicates that this missense variant is not expected to disrupt RPGRIP1L protein function. In summary, the available evidence is currently insufficient to determine the role of this variant in disease. Therefore, it has been classified as a Variant of Uncertain Significance.

Fulgent Genetics
Classification: Uncertain significance for Joubert syndrome 7; Meckel syndrome, type 5; COACH syndrome 3. Last evaluated: 2021-12-27. Review status: criteria provided, single submitter. Criteria: ACMG Guidelines, 2015. Collection method: clinical testing. Allele origin: unknown.

Ambry Genetics
Classification: Uncertain significance for Inborn genetic diseases. Last evaluated: 2021-11-23. Review status: criteria provided, single submitter. Criteria: Ambry Variant Classification Scheme 2023. Collection method: clinical testing. Allele origin: germline.

GeneDx
Classification: Uncertain significance. Last evaluated: 2016-11-17. Review status: criteria provided, single submitter. Criteria: GeneDx Variant Classification (06012015). Collection method: clinical testing. Allele origin: germline. Affected: yes.
Comment: A variant of uncertain significance has been identified in the RPGRIP1L gene. The E939K variant has not been published as a pathogenic variant, nor has it been reported as a benign variant to our knowledge. The E939K variant was not observed with any significant frequency in approximately 6,500 individuals of European and African American ancestry in the NHLBI Exome Sequencing Project. The E939K variant is a non-conservative amino acid substitution, which is likely to impact secondary protein structure as these residues differ in polarity, charge, size and/or other properties. However, this substitution occurs at a position that is not conserved. In silico analysis is inconsistent in its predictions as to whether or not the variant is damaging to the protein structure/function. Therefore, based on the currently available information, it is unclear whether this variant is a pathogenic variant or a rare benign variant.

Natera, Inc.
Classification: Uncertain significance for Joubert syndrome. Last evaluated: 2020-11-24. Review status: no assertion criteria provided. Collection method: clinical testing. Allele origin: germline. Not counted in ClinVar's aggregate classification.